The following is an entry in ClinVar:

ClinVar aggregate classification (germline): Conflicting classifications of pathogenicity. Review status: criteria provided, conflicting classifications (1 of 4 stars). 21 submissions from 21 submitters: Uncertain significance (1); Benign (10); Likely benign (9). 1 of the submissions does not count toward it. Last evaluated 2026-02-03.

Conditions:
Breast and/or ovarian cancer. Identifiers: MedGen CN221562.
Hereditary cancer-predisposing syndrome. Also called: Tumor predisposition; Hereditary neoplastic syndrome; Hereditary Cancer Syndrome; Neoplastic Syndromes, Hereditary. Identifiers: Orphanet 140162, MedGen C0027672, MeSH D009386, MONDO:0015356.
Familial cancer of breast. Also called: Hereditary breast cancer; hereditary breast carcinoma; BREAST CANCER, FAMILIAL. Identifiers: Orphanet 227535, MedGen C0346153, MONDO:0016419, OMIM 114480. Disease mechanism: loss of function.
Ataxia-telangiectasia syndrome (AT). Also called: ATAXIA-TELANGIECTASIA, COMPLEMENTATION GROUP A; ATAXIA-TELANGIECTASIA, FRESNO VARIANT; Ataxia-telangiectasia; Ataxia-telangiectasia, complementation group D; AT, COMPLEMENTATION GROUP C; Ataxia-telangiectasia, complementation group E. Identifiers: Orphanet 100, MedGen C0004135, MONDO:0008840, OMIM 208900.
Malignant tumor of breast. Also called: Cancer breast; Malignant breast neoplasm. Identifiers: MedGen C0006142, MONDO:0007254. Disease mechanism: loss of function.

Allele frequency attached by ClinVar (database versions not stated): 1000 Genomes Project 30x 0.00016; 1000 Genomes Project 0.00020; gnomAD exomes 0.00026 and 0.00057; ESP Exome Variant Server 0.00031; gnomAD 0.00043 and 0.00044; TOPMed 0.00043; ExAC 0.00050.
gnomAD v4.1: 462 of 1,613,850 alleles (0.029%); highest among the groups gnomAD compares: Admixed American, 0.098%; 3 homozygotes.

Submissions (21):

Labcorp Genetics (formerly Invitae), Labcorp
Classification: Benign for Ataxia-telangiectasia syndrome. Last evaluated: 2026-02-03. Review status: criteria provided, single submitter. Criteria: Invitae Variant Classification Sherloc (09022015). Collection method: clinical testing. Allele origin: germline.

Women's Health and Genetics/Laboratory Corporation of America, LabCorp
Classification: Benign. Last evaluated: 2025-09-22. Review status: criteria provided, single submitter. Criteria: LabCorp Variant Classification Summary - May 2015. Collection method: clinical testing. Allele origin: germline.

CeGaT Center for Human Genetics Tuebingen
Classification: Likely benign. Last evaluated: 2025-09-01. Review status: criteria provided, single submitter. Criteria: CeGaT Center For Human Genetics Tuebingen Variant Classification Criteria Version 2. Collection method: clinical testing. Allele origin: germline. Affected: yes. Observed: 4 variant alleles.
Comment: ATM: BP4, BP7

Center for Genomic Medicine, Rigshospitalet, Copenhagen University Hospital
Classification: Likely benign. Last evaluated: 2025-03-04. Review status: criteria provided, single submitter. Criteria: ACMG Guidelines, 2015. Collection method: clinical testing. Allele origin: germline.

Laboratory of Genetics, Children's Clinical University Hospital Latvia
Classification: Benign. Last evaluated: 2025-02-16. Review status: criteria provided, single submitter. Criteria: ACMG Guidelines, 2015. Collection method: clinical testing. Allele origin: germline. Affected: yes.

Athena Diagnostics
Classification: Benign. Last evaluated: 2024-12-20. Review status: criteria provided, single submitter. Criteria: Athena Diagnostics Criteria. Collection method: clinical testing. Allele origin: unknown.
Comment: The frequency of this variant in the general population is higher than would generally be expected for pathogenic variants in this gene.

Blueprint Genetics
Classification: Likely benign. Last evaluated: 2024-11-25. Review status: criteria provided, single submitter. Criteria: ACMG Guidelines, 2015. Collection method: clinical testing. Allele origin: germline.

Molecular Diagnostics Laboratory, Catalan Institute of Oncology
Classification: Benign for Hereditary cancer-predisposing syndrome. Last evaluated: 2024-10-08. Review status: criteria provided, single submitter. Criteria: ClinGen ACMG Specifications ATM V1.1.0. Collection method: clinical testing. Allele origin: germline.
Comment: BS1, BP4, BP7 c.3342G>A located in exon 23 of the ATM gene is predicted to result in no amino acid change, p.(Lys1114=)(BP7).This variant is found in 29/35058, with a filter allele frequency of 0.059% at 95% confidence in the gnomAD v2.1.1 database (Latino non-cancer data set)(BS1). The SpliceAI algorithm predicts no significant impact on splicing (BP4). To our knowledge functional studies have not been reported for this variant. In addition, the variant was also identified in the ClinVar database (7x benign, 9x likely benign, 1x uncertain significance) and in the LOVD (2x likely benign) databases. Based on currently available information, the variant c.3342G> is classified as a benign variant according to ACMG guidelines.

Myriad Genetics, Inc.
Classification: Benign for Familial cancer of breast. Last evaluated: 2024-05-14. Review status: criteria provided, single submitter. Criteria: Myriad Autosomal Dominant, Autosomal Recessive and X-Linked Classification Criteria (2023). Collection method: clinical testing. Allele origin: unknown.
Comment: This variant is considered benign. This variant is a silent/synonymous amino acid change and it is not expected to impact splicing.

ARUP Laboratories, Molecular Genetics and Genomics, ARUP Laboratories
Classification: Likely benign. Last evaluated: 2024-02-23. Review status: criteria provided, single submitter. Criteria: ARUP Molecular Germline Variant Investigation Process 2024. Collection method: clinical testing. Allele origin: germline.

KCCC/NGS Laboratory, Kuwait Cancer Control Center
Classification: Benign for Familial cancer of breast. Last evaluated: 2023-07-07. Review status: criteria provided, single submitter. Criteria: ACMG Guidelines, 2015. Collection method: clinical testing. Allele origin: germline. Affected: yes.

Institute for Biomarker Research, Medical Diagnostic Laboratories, L.L.C.
Classification: Likely benign for Hereditary cancer-predisposing syndrome. Last evaluated: 2022-11-15. Review status: criteria provided, single submitter. Criteria: ACMG Guidelines, 2015. Collection method: clinical testing. Allele origin: germline.

CHEO Genetics Diagnostic Laboratory, Children's Hospital of Eastern Ontario
Classification: Likely benign for Breast and/or ovarian cancer. Last evaluated: 2022-05-13. Review status: criteria provided, single submitter. Criteria: ACMG Guidelines, 2015. Collection method: clinical testing. Allele origin: germline.

Sema4
Classification: Benign for Hereditary cancer-predisposing syndrome. Last evaluated: 2020-05-27. Review status: criteria provided, single submitter. Criteria: Sema4 Curation Guidelines. Collection method: curation. Allele origin: germline.

Mendelics
Classification: Likely benign for Ataxia-telangiectasia syndrome. Last evaluated: 2019-05-28. Review status: criteria provided, single submitter. Criteria: Mendelics Assertion Criteria 2017. Collection method: clinical testing. Allele origin: unknown.

Illumina Laboratory Services, Illumina
Classification: Uncertain significance for Ataxia-telangiectasia syndrome. Last evaluated: 2017-04-27. Review status: criteria provided, single submitter. Criteria: ICSL Variant Classification Criteria 13 December 2019. Collection method: clinical testing. Allele origin: germline.

PreventionGenetics, part of Exact Sciences
Classification: Likely benign. Last evaluated: 2016-10-03. Review status: criteria provided, single submitter. Criteria: ACMG Guidelines, 2015. Collection method: clinical testing. Allele origin: germline.

Color Diagnostics, LLC DBA Color Health
Classification: Benign for Hereditary cancer-predisposing syndrome. Last evaluated: 2015-02-13. Review status: criteria provided, single submitter. Criteria: ACMG Guidelines, 2015. Collection method: clinical testing. Allele origin: germline.

Ambry Genetics
Classification: Likely benign for Hereditary cancer-predisposing syndrome. Last evaluated: 2014-07-18. Review status: criteria provided, single submitter. Criteria: Ambry Variant Classification Scheme 2023. Collection method: clinical testing. Allele origin: germline.

GeneDx
Classification: Benign. Last evaluated: 2013-12-11. Review status: criteria provided, single submitter. Criteria: GeneDx Variant Classification (06012015). Collection method: clinical testing. Allele origin: germline. Affected: yes.
Comment: This variant is considered likely benign or benign based on one or more of the following criteria: it is a conservative change, it occurs at a poorly conserved position in the protein, it is predicted to be benign by multiple in silico algorithms, and/or has population frequency not consistent with disease.

Department of Pathology and Laboratory Medicine, Sinai Health System
Classification: Likely benign for Malignant tumor of breast. Review status: no assertion criteria provided. Collection method: clinical testing. Allele origin: unknown. Affected: yes. Study: The Canadian Open Genetics Repository (COGR). Not counted in ClinVar's aggregate classification.
Comment: The ATM p.Lys1114= variant was identified in 1 of 244 proband chromosomes (frequency: 0.004) from individuals or families with breast cancer and was present in 1 of 298 control chromosomes (frequency: 0.003) from healthy individuals (Paglia 2010). The variant was also identified in dbSNP (ID: rs138393322) as With Likely benign allele, ClinVar (classified as benign by Invitae, GeneDx, Color Genomics; as likely benign by Ambry Genetics, IGLCA), Clinvitae, databases. The variant was not identified in GeneInsight-COGR, Cosmic, LOVD 3.0, databases. The variant was identified in control databases in 143 of 276622 chromosomes (1 homozygous) at a frequency of 0.001 increasing the likelihood this could be a low frequency benign variant (Genome Aggregation Database Feb 27, 2017). Breakdown of the observations by population include Other in 5 of 6460 chromosomes (freq: 0.001), Latino in 26 of 34366 chromosomes (freq: 0.001), European in 15 of 126286 chromosomes (freq: 0.0001), Ashkenazi Jewish in 97 of 10136 chromosomes (freq: 0.01), while the variant was not observed in the African, East Asian, Finnish, and South Asian populations. The p.Lys1114= variant is not expected to have clinical significance because it does not result in a change of amino acid and is not located in a known consensus splice site. The variant occurs outside of the splicing consensus sequence and 3 of 5 in silico or computational prediction software programs (SpliceSiteFinder, MaxEntScan, NNSPLICE, GeneSplicer, HumanSpliceFinder) predict a greater than 10% difference in splicing. However, this information is not predictive enough to assume pathogenicity. In summary, based on the above information, the clinical significance of this variant cannot be determined with certainty at this time although we would lean towards a more benign role for this variant. This variant is classified as likely benign.

Literature cited by the submitters: PubMed 19404735 (cited by 3 submitters); PubMed 36704080 (cited by Athena Diagnostics).

NM_000051.4(ATM):c.3342G>A (p.Lys1114=)

Gene: ATM (ATM serine/threonine kinase; plus strand). Cytogenetic location: 11q22.3.
Variant type: single nucleotide variant.
Coding change: c.3342G>A on transcript NM_000051.4 (MANE Select); coding-DNA position 3342, G replaced by A.
Protein change: p.Lys1114=; no amino-acid change (lysine 1114 retained).
Molecular consequence: synonymous variant.
Genome position (GRCh38, 1-based): chr11:108,279,548, G>A. VCF-style: chr11-108279548-G-A. GRCh37 (hg19) VCF-style: chr11-108150275-G-A.
Other names: p.K1114K:AAG>AAA; c.3342G>A, p.Lys1114= (NM_001351834.2).
Identifiers: ClinVar variation 135751 (VCV000135751.61), dbSNP rs138393322, ClinGen allele CA289556.